The following is an entry in ClinVar:

NM_000271.5(NPC1):c.476C>T (p.Ala159Val)

Gene: NPC1 (NPC intracellular cholesterol transporter 1; minus strand). Cytogenetic location: 18q11.2.
Variant type: single nucleotide variant.
Coding change: c.476C>T on transcript NM_000271.5 (MANE Select); coding-DNA position 476, C replaced by T.
Protein change: p.Ala159Val; replaces alanine 159 with valine.
Molecular consequence: missense variant.
Genome position (GRCh38, 1-based): chr18:23,561,515, G>A on the plus strand (C>T on the coding strand, the complement: NPC1 is on the minus strand). VCF-style: chr18-23561515-G-A. GRCh37 (hg19) VCF-style: chr18-21141479-G-A.
Other names: short protein forms A159V.
Identifiers: ClinVar variation 864676 (VCV000864676.5), dbSNP rs2059038990, ClinGen allele CA401783009.

ClinVar aggregate classification (germline): Uncertain significance. Review status: criteria provided, single submitter (1 of 4 stars). 2 submissions from 2 submitters: Uncertain significance (1). 1 of the submissions does not count toward it. Last evaluated 2021-09-01.

Conditions:
Niemann-Pick disease, type C1. Also called: NEUROVISCERAL STORAGE DISEASE WITH VERTICAL SUPRANUCLEAR OPHTHALMOPLEGIA; NIEMANN-PICK DISEASE WITH CHOLESTEROL ESTERIFICATION BLOCK; NIEMANN-PICK DISEASE WITHOUT SPHINGOMYELINASE DEFICIENCY; NIEMANN-PICK DISEASE, CHRONIC NEURONOPATHIC FORM; NIEMANN-PICK DISEASE, VARIANT TYPE C1. Identifiers: Orphanet 646, MedGen C3179455, MONDO:0009757, OMIM 257220.

Submissions (2):

Labcorp Genetics (formerly Invitae), Labcorp
Classification: Uncertain significance for Niemann-Pick disease, type C1. Last evaluated: 2021-09-01. Review status: criteria provided, single submitter. Criteria: Invitae Variant Classification Sherloc (09022015). Collection method: clinical testing. Allele origin: germline.
Comment: This sequence change replaces alanine with valine at codon 159 of the NPC1 protein (p.Ala159Val). The alanine residue is moderately conserved and there is a small physicochemical difference between alanine and valine. This variant is not present in population databases (ExAC no frequency). This variant has not been reported in the literature in individuals affected with NPC1-related conditions. Algorithms developed to predict the effect of missense changes on protein structure and function are either unavailable or do not agree on the potential impact of this missense change (SIFT: "Deleterious"; PolyPhen-2: "Possibly Damaging"; Align-GVGD: "Class C0"). In summary, the available evidence is currently insufficient to determine the role of this variant in disease. Therefore, it has been classified as a Variant of Uncertain Significance.

Natera, Inc.
Classification: Uncertain significance for Niemann-Pick disease type C1. Last evaluated: 2020-09-16. Review status: no assertion criteria provided. Collection method: clinical testing. Allele origin: germline. Not counted in ClinVar's aggregate classification.